The following is an entry in ClinVar:

NM_005751.5(AKAP9):c.10249C>T (p.Arg3417Cys)

Gene: AKAP9 (A-kinase anchoring protein 9; plus strand). Cytogenetic location: 7q21.2.
Variant type: single nucleotide variant.
Coding change: c.10249C>T on transcript NM_005751.5 (MANE Select); coding-DNA position 10249, C replaced by T.
Protein change: p.Arg3417Cys; replaces arginine 3417 with cysteine.
Molecular consequence: missense variant.
Genome position (GRCh38, 1-based): chr7:92,097,208, C>T. VCF-style: chr7-92097208-C-T. GRCh37 (hg19) VCF-style: chr7-91726522-C-T.
Other names: c.4894C>T, p.Arg1632Cys (NM_001379277.1); c.10225C>T, p.Arg3409Cys (NM_147185.3); short protein forms R3417C, R3409C, R1632C.
Identifiers: ClinVar variation 191525 (VCV000191525.13), dbSNP rs146495719, ClinGen allele CA236897.
Genomic context (GRCh38, chr7:92,097,208, plus strand): 5'-GCCAACACTGAGGGACAGAAAAAAATGCATGAGCTCCAGTCCAAAGTGGAAGATCTTCAG[C>T]GCCAGCTGGAAGAGAAAAGACAACAAGTTTATAAGTTAGACCTTGAAGGACAGCGACTAC-3'
Protein context (NP_005742.4, residues 3407-3427): ELQSKVEDLQ[Arg3417Cys]QLEEKRQQVY

ClinVar aggregate classification (germline): Conflicting classifications of pathogenicity. Review status: criteria provided, conflicting classifications (1 of 4 stars). 4 submissions from 4 submitters: Uncertain significance (1); Likely benign (2). 1 of the submissions does not count toward it. Last evaluated 2026-02-01.

Conditions:
Cardiovascular phenotype. Identifiers: MedGen CN230736.
Long QT syndrome (LQTS). Identifiers: MedGen C0023976, MeSH D008133, MONDO:0002442. Disease mechanism: loss of function. Inheritance: Various modes of inheritance.
Long QT syndrome 11 (LQT11). Identifiers: Orphanet 101016, Orphanet 768, MedGen C2678483, MONDO:0012738, OMIM 611820.

Allele frequency attached by ClinVar (database versions not stated): gnomAD exomes 0.00005 and 0.00010; ExAC 0.00008; ESP Exome Variant Server 0.00015; 1000 Genomes Project 30x 0.00016; 1000 Genomes Project 0.00020; gnomAD 0.00031 and 0.00036; TOPMed 0.00036.
gnomAD v4.1: 132 of 1,612,622 alleles (0.0082%); highest among the groups gnomAD compares: African/African-American, 0.12%; no homozygotes.

Submissions (4):

Labcorp Genetics (formerly Invitae), Labcorp
Classification: Uncertain significance for Long QT syndrome. Last evaluated: 2026-02-01. Review status: criteria provided, single submitter. Criteria: Invitae Variant Classification Sherloc (09022015). Collection method: clinical testing. Allele origin: germline.
Comment: This sequence change replaces arginine, which is basic and polar, with cysteine, which is neutral and slightly polar, at codon 3417 of the AKAP9 protein (p.Arg3417Cys). This variant is present in population databases (rs146495719, gnomAD 0.07%), and has an allele count higher than expected for a pathogenic variant. This variant has not been reported in the literature in individuals affected with AKAP9-related conditions. ClinVar contains an entry for this variant (Variation ID: 191525). An algorithm developed to predict the effect of missense changes on protein structure and function (PolyPhen-2) suggests that this variant is likely to be disruptive. In summary, the available evidence is currently insufficient to determine the role of this variant in disease. Therefore, it has been classified as a Variant of Uncertain Significance.

Ambry Genetics
Classification: Likely benign for Cardiovascular phenotype. Last evaluated: 2021-10-21. Review status: criteria provided, single submitter. Criteria: Ambry Variant Classification Scheme 2023. Collection method: clinical testing. Allele origin: germline.

Biesecker Lab/Clinical Genomics Section, National Institutes of Health
Classification: Likely benign. Last evaluated: 2013-06-24. Review status: criteria provided, single submitter. Criteria: Ng et al. (Circ Cardiovasc Genet. 2013). Collection method: research. Allele origin: unknown. Observed: 1 variant allele. Study: ClinSeq.
Comment: The study set was not selected for affection status in relation to any cancer. Pathogenicity categories were based on literature curation. See Pubmed ID:23861362 for details.

Medical sequencing

Department of Pathology and Laboratory Medicine, Sinai Health System
Classification: Uncertain significance for Long QT syndrome 11. Review status: no assertion criteria provided. Collection method: clinical testing. Allele origin: unknown. Affected: yes. Study: The Canadian Open Genetics Repository (COGR). Not counted in ClinVar's aggregate classification.
Comment: The AKAP9 p.R3417C variant was identified in one heterozygous individual with breast cancer (Torrezan_2018_PMID:29868112). The variant was identified in dbSNP (ID: rs146495719) and ClinVar (classified as uncertain significance by Invitae and as likely benign by Biesecker Lab/Clinical Genomics Section, National Institutes of Health). The variant was identified in control databases in 30 of 280760 chromosomes at a frequency of 0.0001069, and was observed at the highest frequency in the African population in 18 of Â¬â€  Â¬â€  24800 chromosomes (freq: 0.0007258) (Genome Aggregation Database March 6, 2019, v2.1.1). The p.R3417 residue is conserved in mammals and computational analyses (MUT Assesor, PolyPhen-2, SIFT, MutationTaster, Revel, FATHMM, MetaLR, DANN) provide inconsistent predictions regarding the impact to the protein; this information is not very predictive of pathogenicity. The variant occurs outside of the splicing consensus sequence and in silico or computational prediction software programs (Splice AI exome) do not predict a difference in splicing. In summary, based on the above information the clinical significance of this variant cannot be determined with certainty at this time. This variant is classified as a variant of uncertain significance.

Literature cited by the submitters: PubMed 23861362 (cited by Ambry Genetics); PubMed 31847883 (cited by Ambry Genetics).